The following is an entry in ClinVar:

NM_000059.4(BRCA2):c.8101T>C (p.Ser2701Pro)

Gene: BRCA2 (BRCA2 DNA repair associated; plus strand). Cytogenetic location: 13q13.1.
Variant type: single nucleotide variant.
Coding change: c.8101T>C on transcript NM_000059.4 (MANE Select); coding-DNA position 8101, T replaced by C.
Protein change: p.Ser2701Pro; replaces serine 2701 with proline.
Molecular consequence: missense variant.
Genome position (GRCh38, 1-based): chr13:32,363,303, T>C. VCF-style: chr13-32363303-T-C. GRCh37 (hg19) VCF-style: chr13-32937440-T-C.
Other names: short protein forms S2701P.
Identifiers: ClinVar variation 142869 (VCV000142869.27), dbSNP rs587782781, ClinGen allele CA025455.

ClinVar aggregate classification (germline): Conflicting classifications of pathogenicity. Review status: criteria provided, conflicting classifications (1 of 4 stars). 3 submissions from 3 submitters: Uncertain significance (2); Likely benign (1). Last evaluated 2025-12-08.

Conditions:
Hereditary cancer-predisposing syndrome. Also called: Hereditary Cancer Syndrome; Neoplastic Syndromes, Hereditary; Hereditary neoplastic syndrome; Tumor predisposition. Identifiers: Orphanet 140162, MedGen C0027672, MeSH D009386, MONDO:0015356.
Hereditary breast ovarian cancer syndrome. Also called: BRCA1- and BRCA2-Associated Hereditary Breast and Ovarian Cancer; Hereditary breast and ovarian cancer syndrome; Hereditary breast and/or ovarian cancer syndrome; Breast and ovarian cancer; Hereditary breast and ovarian cancer; Hereditary breast and ovarian cancer syndrome (HBOC). Identifiers: Orphanet 145, MedGen C0677776, MeSH D061325, MONDO:0003582. Disease mechanism: loss of function.

Allele frequency attached by ClinVar (database versions not stated): gnomAD exomes below 0.00001.
gnomAD v4.1: 1 of 1,614,168 alleles (0.000062%); highest among the groups gnomAD compares: Non-Finnish European, 0.000085%; no homozygotes.

Submissions (3):

Labcorp Genetics (formerly Invitae), Labcorp
Classification: Uncertain significance for Hereditary breast ovarian cancer syndrome. Last evaluated: 2025-12-08. Review status: criteria provided, single submitter. Criteria: Invitae Variant Classification Sherloc (09022015). Collection method: clinical testing. Allele origin: germline.
Comment: This sequence change replaces serine, which is neutral and polar, with proline, which is neutral and non-polar, at codon 2701 of the BRCA2 protein (p.Ser2701Pro). This variant is not present in population databases (gnomAD no frequency). This missense change has been observed in individual(s) with BRCA2-related conditions (PMID: 21520333). ClinVar contains an entry for this variant (Variation ID: 142869). Invitae Evidence Modeling of protein sequence and biophysical properties (such as structural, functional, and spatial information, amino acid conservation, physicochemical variation, residue mobility, and thermodynamic stability) indicates that this missense variant is not expected to disrupt BRCA2 protein function with a negative predictive value of 95%. In summary, the available evidence is currently insufficient to determine the role of this variant in disease. Therefore, it has been classified as a Variant of Uncertain Significance.

Ambry Genetics
Classification: Likely benign for Hereditary cancer-predisposing syndrome. Last evaluated: 2025-05-19. Review status: criteria provided, single submitter. Criteria: Ambry Variant Classification Scheme 2023. Collection method: clinical testing. Allele origin: germline.

Color Diagnostics, LLC DBA Color Health
Classification: Uncertain significance for Hereditary cancer-predisposing syndrome. Last evaluated: 2024-03-06. Review status: criteria provided, single submitter. Criteria: ACMG Guidelines, 2015. Collection method: clinical testing. Allele origin: germline.
Comment: This missense variant replaces serine with proline at codon 2701 of the BRCA2 protein. Computational prediction is inconclusive regarding the impact of this variant on protein structure and function (internally defined REVEL score threshold 0.5 < inconclusive < 0.7, PMID: 27666373). To our knowledge, functional studies have not been reported for this variant. This variant has not been reported in individuals affected with hereditary cancer in the literature. This variant has not been identified in the general population by the Genome Aggregation Database (gnomAD). The available evidence is insufficient to determine the role of this variant in disease conclusively. Therefore, this variant is classified as a Variant of Uncertain Significance.

Literature cited by the submitters: PubMed 21520333 (cited by Labcorp Genetics (formerly Invitae), Labcorp).